The following is an entry in ClinVar:

NM_001457.4(FLNB):c.7187G>T (p.Gly2396Val)

Genes: FLNB (filamin B; plus strand), FLNB-AS1 (FLNB antisense RNA 1; minus strand). Cytogenetic location: 3p14.3.
Variant type: single nucleotide variant.
Coding change: c.7187G>T on transcript NM_001457.4 (MANE Select); coding-DNA position 7187, G replaced by T.
Protein change: p.Gly2396Val; replaces glycine 2396 with valine.
Molecular consequence: missense variant. On other transcripts: non-coding transcript variant (1).
Genome position (GRCh38, 1-based): chr3:58,163,319, G>T. VCF-style: chr3-58163319-G-T. GRCh37 (hg19) VCF-style: chr3-58149046-G-T.
Other names: c.7280G>T, p.Gly2427Val (NM_001164317.2); c.7154G>T, p.Gly2385Val (NM_001164318.2); c.7115G>T, p.Gly2372Val (NM_001164319.2); short protein forms G2372V, G2385V, G2396V, G2427V.
Identifiers: ClinVar variation 3677266 (VCV003677266.2).
Genomic context (GRCh38, chr3:58,163,319, plus strand): 5'-GGGAGCCTGGACAAGCGGGGAACCCTGCCCTGGTGTCCGCCTATGGCACGGGACTCGAAG[G>T]GGGCACCACAGGTAACCCACTCTTCTGCTTCTTGAAGCCTTAACTGAACCAGCTCCAGGG-3'
Protein context (NP_001448.2, residues 2386-2406): LVSAYGTGLE[Gly2396Val]GTTGIQSEFF

ClinVar aggregate classification (germline): Uncertain significance (1 of 4 stars; one submission).

Submission:

Labcorp Genetics (formerly Invitae), Labcorp
Classification: Uncertain significance. Last evaluated: 2024-04-16. Review status: criteria provided, single submitter. Criteria: Invitae Variant Classification Sherloc (09022015). Collection method: clinical testing. Allele origin: germline.
Comment: This sequence change replaces glycine, which is neutral and non-polar, with valine, which is neutral and non-polar, at codon 2396 of the FLNB protein (p.Gly2396Val). This variant is not present in population databases (gnomAD no frequency). This variant has not been reported in the literature in individuals affected with FLNB-related conditions. Advanced modeling of protein sequence and biophysical properties (such as structural, functional, and spatial information, amino acid conservation, physicochemical variation, residue mobility, and thermodynamic stability) performed at Invitae indicates that this missense variant is not expected to disrupt FLNB protein function with a negative predictive value of 95%. In summary, the available evidence is currently insufficient to determine the role of this variant in disease. Therefore, it has been classified as a Variant of Uncertain Significance.